The following is an entry in ClinVar:

NM_001035.3(RYR2):c.9625C>T (p.Pro3209Ser)

Gene: RYR2 (ryanodine receptor 2; plus strand). Cytogenetic location: 1q43.
Variant type: single nucleotide variant.
Coding change: c.9625C>T on transcript NM_001035.3 (MANE Select); coding-DNA position 9625, C replaced by T.
Protein change: p.Pro3209Ser; replaces proline 3209 with serine.
Molecular consequence: missense variant.
Genome position (GRCh38, 1-based): chr1:237,706,993, C>T. VCF-style: chr1-237706993-C-T. GRCh37 (hg19) VCF-style: chr1-237870293-C-T.
Other names: c.9625C>T (NM_001035.2); short protein forms P3209S.
Identifiers: ClinVar variation 1394229 (VCV001394229.8), dbSNP rs767375014, ClinGen allele CA345408434.

ClinVar aggregate classification (germline): Uncertain significance. Review status: criteria provided, multiple submitters, no conflicts (2 of 4 stars). 2 submissions from 2 submitters: Uncertain significance (2). Last evaluated 2025-11-05.

Conditions:
Cardiovascular phenotype. Identifiers: MedGen CN230736.
Catecholaminergic polymorphic ventricular tachycardia 1. Also called: VENTRICULAR TACHYCARDIA, CATECHOLAMINERGIC POLYMORPHIC, 1, WITH OR WITHOUT ATRIAL DYSFUNCTION AND/OR DILATED CARDIOMYOPATHY; VENTRICULAR TACHYCARDIA, STRESS-INDUCED POLYMORPHIC 1; RYR2-Related Catecholaminergic Polymorphic Ventricular Tachycardia. Identifiers: Orphanet 3286, MedGen C1631597, MONDO:0011484, OMIM 604772.

gnomAD v4.1: 1 of 1,613,700 alleles (0.000062%); highest among the groups gnomAD compares: African/African-American, 0.0013%; no homozygotes.

Submissions (2):

Labcorp Genetics (formerly Invitae), Labcorp
Classification: Uncertain significance for Catecholaminergic polymorphic ventricular tachycardia 1. Last evaluated: 2025-11-05. Review status: criteria provided, single submitter. Criteria: Invitae Variant Classification Sherloc (09022015). Collection method: clinical testing. Allele origin: germline.
Comment: This sequence change replaces proline, which is neutral and non-polar, with serine, which is neutral and polar, at codon 3209 of the RYR2 protein (p.Pro3209Ser). This variant is present in population databases (no rsID available, gnomAD 0.01%). This variant has not been reported in the literature in individuals affected with RYR2-related conditions. ClinVar contains an entry for this variant (Variation ID: 1394229). Invitae Evidence Modeling of protein sequence and biophysical properties (such as structural, functional, and spatial information, amino acid conservation, physicochemical variation, residue mobility, and thermodynamic stability) indicates that this missense variant is expected to disrupt RYR2 protein function with a positive predictive value of 95%. In summary, the available evidence is currently insufficient to determine the role of this variant in disease. Therefore, it has been classified as a Variant of Uncertain Significance.

Ambry Genetics
Classification: Uncertain significance for Cardiovascular phenotype. Last evaluated: 2024-04-28. Review status: criteria provided, single submitter. Criteria: Ambry Variant Classification Scheme 2023. Collection method: clinical testing. Allele origin: germline.
Comment: The p.P3209S variant (also known as c.9625C>T), located in coding exon 68 of the RYR2 gene, results from a C to T substitution at nucleotide position 9625. The proline at codon 3209 is replaced by serine, an amino acid with similar properties. This alteration has been reported in association with cardiomyopathy (Koutsofti C et al. Genes (Basel), 2024 Feb;15:). This amino acid position is highly conserved in available vertebrate species. In addition, this alteration is predicted to be deleterious by in silico analysis. Based on the available evidence, the clinical significance of this variant remains unclear.

Literature cited by the submitters: PubMed 38540378 (cited by Ambry Genetics).